The following is an entry in ClinVar:

NM_001904.4(CTNNB1):c.134C>T (p.Ser45Phe)

Genes: CTNNB1 (catenin beta 1; plus strand), LOC126806658 (BRD4-independent group 4 enhancer GRCh37_chr3:41265899-41267098; plus strand). Cytogenetic location: 3p22.1.
Variant type: single nucleotide variant.
Coding change: c.134C>T on transcript NM_001904.4 (MANE Select); coding-DNA position 134, C replaced by T.
Protein change: p.Ser45Phe; replaces serine 45 with phenylalanine.
Molecular consequence: missense variant.
Genome position (GRCh38, 1-based): chr3:41,224,646, C>T. VCF-style: chr3-41224646-C-T. GRCh37 (hg19) VCF-style: chr3-41266137-C-T.
Other names: c.134C>T, p.Ser45Phe (NM_001098209.2, NM_001098210.2); c.113C>T, p.Ser38Phe (NM_001330729.2); short protein forms S45F, S38F.
Identifiers: ClinVar variation 17588 (VCV000017588.4), dbSNP rs121913409, ClinGen allele CA127283.

ClinVar aggregate classification (germline): Pathogenic; other. Review status: no assertion criteria provided (0 of 4 stars). 3 submissions from 3 submitters: Pathogenic (2). Last evaluated 2020-10-30.
ClinVar aggregate classification (somatic clinical impact): Tier I - Strong. Review status: criteria provided, single submitter (1 of 4 stars). 4 submissions from 1 submitter. 1 of the submissions does not count toward it. Last evaluated 2025-07-22.
ClinVar aggregate classification (oncogenicity): Oncogenic (1 of 4 stars; one submission).

Conditions:
Gallbladder cancer. Identifiers: MedGen C0153452, MONDO:0005411.
Nephroblastoma. Also called: Wilms' tumor; Wilms tumor. Identifiers: Orphanet 654, MedGen C0027708, MeSH D009396, MONDO:0006058, HP:0002667.
Hepatocellular carcinoma (HCC). Also called: Primary carcinoma of liver; HEPATOMA; LIVER CELL CARCINOMA. Identifiers: Orphanet 88673, MedGen C2239176, MONDO:0007256, OMIM 114550, HP:0001402.
Embryonal rhabdomyosarcoma (ERMS). Also called: Botryoid rhabdomyosarcoma (type of ERMS); Spindle cell rhabdomyosarcomas (type of ERMS). Identifiers: Orphanet 99757, MedGen C0206656, MONDO:0009993, HP:0006743.
Embryonal tumor with multilayered rosettes. Identifiers: Orphanet 656417, MedGen C5575350, MONDO:0958119.
Glioma. Also called: Neuroglial tumor. Identifiers: Orphanet 182067, MedGen C0017638, MeSH D005910, MONDO:0021042, HP:0009733.
Desmoid tumor. Also called: Desmoid tumour; Aggressive fibromatosis. Identifiers: Orphanet 873, MedGen C0079218, MONDO:0007608, HP:6001034.
Neoplasm. Also called: tumor; Neoplasms; Neoplasm (disease). Identifiers: MedGen C0027651, MeSH D009369, MONDO:0005070, HP:0002664.

Submissions (8):

Institute for Genomic Medicine (IGM) Clinical Laboratory, Nationwide Children's Hospital
Classification: Tier I - Strong for Embryonal rhabdomyosarcoma. Assertion type: diagnostic. Clinical significance: supports diagnosis. Last evaluated: 2025-07-22. Review status: criteria provided, single submitter. Criteria: AMP/ASCO/CAP Guidelines, 2017. Collection method: clinical testing. Allele origin: somatic. Affected: yes.
Comment: Variant has Tier I (strong) clinical significance as a diagnostic inclusion criterion in embryonal rhabdomyosarcoma, based on the following evidence: 1) Documented in one or more cancer databases (e.g., St. Jude Pecan, COSMIC, CIViC, OncoKB). 2) Appears in one or more well-established professional guidelines (e.g., World Health Organization [WHO]; National Comprehensive Cancer Network [NCCN]) as providing diagnostic, prognostic, or therapeutic information. 3) Information in the literature supports potential biologic effect of variant (PMIDs: 26686699, 18282277). 4) Diagnostic for a specific tumor type/classification based on well-powered studies with expert-level consensus (Evidence Level B; PMIDs: 30617281, 34166060, 24436047, 24332040, 22142829).

Institute for Genomic Medicine (IGM) Clinical Laboratory, Nationwide Children's Hospital
Classification: Tier I - Strong for Desmoid tumor. Assertion type: diagnostic. Clinical significance: supports diagnosis. Last evaluated: 2025-03-20. Review status: criteria provided, single submitter. Criteria: AMP/ASCO/CAP Guidelines, 2017. Collection method: clinical testing. Allele origin: somatic. Affected: yes.
Comment: Variant has Tier I (strong) clinical significance as a diagnostic inclusion criterion in desmoid tumor, based on the following evidence: 1) Documented in one or more cancer databases (e.g., St. Jude Pecan, COSMIC, CIViC, OncoKB). 2) Appears in one or more well-established professional guidelines (e.g., World Health Organization [WHO]; National Comprehensive Cancer Network [NCCN]) as providing diagnostic, prognostic, or therapeutic information. 3) Information in the literature supports potential biologic effect of variant (PMIDs: 29435196, 30699286). 4) Diagnostic for a specific tumor type/classification according to professional guidelines (Evidence Level A; PMIDs: 10597266, 17558858, 20197769, 21323417, 25341748, 32099073, 26171757, 20232483).

Center for Genomic Medicine, Rigshospitalet, Copenhagen University Hospital
Classification: Oncogenic for Neoplasm. Last evaluated: 2025-03-04. Review status: criteria provided, single submitter. Criteria: ClinGen/CGC/VICC Guidelines for Oncogenicity, 2022. Collection method: clinical testing. Allele origin: somatic. Affected: yes.

Institute for Genomic Medicine (IGM) Clinical Laboratory, Nationwide Children's Hospital
Classification: Tier II - Potential for Glioma. Assertion type: diagnostic. Clinical significance: supports diagnosis. Last evaluated: 2023-11-03. Review status: criteria provided, single submitter. Criteria: AMP/ASCO/CAP Guidelines, 2017. Collection method: clinical testing. Allele origin: somatic. Affected: yes. Not counted in ClinVar's aggregate classification.
Comment: Variant has Tier II (potential) clinical significance as a diagnostic inclusion criterion in glioma, based on the following evidence: 1) Documented in one or more cancer databases (e.g., St. Jude Pecan, COSMIC, CIViC, OncoKB). 2) Information in the literature supports potential biologic effect of variant (PMIDs: 12824913, 18282277, 26686699, 29435196). 3) Diagnostic significance based on multiple small studies (Evidence Level C; PMIDs: 17905526, 28912153).

Institute for Genomic Medicine (IGM) Clinical Laboratory, Nationwide Children's Hospital
Classification: Tier I - Strong for Embryonal tumor with multilayered rosettes. Assertion type: diagnostic. Clinical significance: supports diagnosis. Last evaluated: 2023-04-10. Review status: criteria provided, single submitter. Criteria: AMP/ASCO/CAP Guidelines, 2017. Collection method: clinical testing. Allele origin: somatic. Affected: yes.
Comment: Variant has Tier I (strong) clinical significance as a diagnostic inclusion criterion in embryonal tumor with multilayered rosettes, based on the following evidence: 1) Documented in one or more cancer databases (e.g., St. Jude Pecan, COSMIC, CIViC, OncoKB). 2) Appears in one or more well-established professional guidelines (e.g., World Health Organization [WHO]; National Comprehensive Cancer Network [NCCN]) as providing diagnostic, prognostic, or therapeutic information. 3) Information in the literature supports potential biologic effect of variant (PMIDs: 12824913, 18282277, 26686699, 29435196). 4) Diagnostic for a specific tumor type/classification based on well-powered studies with expert-level consensus (Evidence Level B; PMIDs: 31802000, 32601913).

Institute of Medical Sciences, Banaras Hindu University
Classification: Pathogenic for Gallbladder cancer. Last evaluated: 2020-10-30. Review status: no assertion criteria provided. Collection method: research. Allele origin: somatic. Affected: yes.

Donald Williams Parsons Laboratory, Baylor College of Medicine
Classification: other for WILMS TUMOR. Last evaluated: 2016-05-01. Review status: no assertion criteria provided. Collection method: clinical testing. Allele origin: somatic. Inheritance: Somatic mutation. Affected: yes. Study: CSER-BASIC3.

OMIM
Classification: Pathogenic for HEPATOCELLULAR CARCINOMA, SOMATIC. Last evaluated: 1999-07-08. Review status: no assertion criteria provided. Collection method: literature only. Allele origin: somatic.

Literature cited by the submitters: PubMed 26686699 (cited by Institute for Genomic Medicine (IGM) Clinical Laboratory, Nationwide Children's Hospital); PubMed 18282277 (cited by Institute for Genomic Medicine (IGM) Clinical Laboratory, Nationwide Children's Hospital and Center for Genomic Medicine, Rigshospitalet, Copenhagen University Hospital); PubMed 30617281 (cited by Institute for Genomic Medicine (IGM) Clinical Laboratory, Nationwide Children's Hospital); PubMed 34166060 (cited by Institute for Genomic Medicine (IGM) Clinical Laboratory, Nationwide Children's Hospital); PubMed 24436047 (cited by Institute for Genomic Medicine (IGM) Clinical Laboratory, Nationwide Children's Hospital); PubMed 24332040 (cited by Institute for Genomic Medicine (IGM) Clinical Laboratory, Nationwide Children's Hospital); PubMed 22142829 (cited by Institute for Genomic Medicine (IGM) Clinical Laboratory, Nationwide Children's Hospital); PubMed 29435196 (cited by Institute for Genomic Medicine (IGM) Clinical Laboratory, Nationwide Children's Hospital); PubMed 30699286 (cited by Institute for Genomic Medicine (IGM) Clinical Laboratory, Nationwide Children's Hospital); PubMed 10597266 (cited by Institute for Genomic Medicine (IGM) Clinical Laboratory, Nationwide Children's Hospital); PubMed 17558858 (cited by Institute for Genomic Medicine (IGM) Clinical Laboratory, Nationwide Children's Hospital); PubMed 20197769 (cited by Institute for Genomic Medicine (IGM) Clinical Laboratory, Nationwide Children's Hospital); PubMed 21323417 (cited by Institute for Genomic Medicine (IGM) Clinical Laboratory, Nationwide Children's Hospital); PubMed 25341748 (cited by Institute for Genomic Medicine (IGM) Clinical Laboratory, Nationwide Children's Hospital); PubMed 32099073 (cited by Institute for Genomic Medicine (IGM) Clinical Laboratory, Nationwide Children's Hospital); PubMed 26171757 (cited by Institute for Genomic Medicine (IGM) Clinical Laboratory, Nationwide Children's Hospital); PubMed 20232483 (cited by Institute for Genomic Medicine (IGM) Clinical Laboratory, Nationwide Children's Hospital); PubMed 12824913 (cited by Institute for Genomic Medicine (IGM) Clinical Laboratory, Nationwide Children's Hospital); PubMed 17905526 (cited by Institute for Genomic Medicine (IGM) Clinical Laboratory, Nationwide Children's Hospital); PubMed 28912153 (cited by Institute for Genomic Medicine (IGM) Clinical Laboratory, Nationwide Children's Hospital); PubMed 31802000 (cited by Institute for Genomic Medicine (IGM) Clinical Laboratory, Nationwide Children's Hospital); PubMed 32601913 (cited by Institute for Genomic Medicine (IGM) Clinical Laboratory, Nationwide Children's Hospital); PubMed 26822237 (cited by Donald Williams Parsons Laboratory, Baylor College of Medicine); PubMed 10435629 (cited by OMIM).